The following is an entry in ClinVar:

ClinVar aggregate classification (germline): Pathogenic (1 of 4 stars; one submission).

Conditions:
Cystic fibrosis (CF). Also called: MUCOVISCIDOSIS. Identifiers: Orphanet 586, MedGen C0010674, MONDO:0009061, OMIM 219700. Disease mechanism: loss of function.

Submission:

Women's Health and Genetics/Laboratory Corporation of America, LabCorp
Classification: Pathogenic for Cystic fibrosis. Last evaluated: 2024-03-07. Review status: criteria provided, single submitter. Criteria: LabCorp Variant Classification Summary - May 2015. Collection method: clinical testing. Allele origin: germline.
Comment: Variant summary: The variant involves the deletion of exon 1 in the CFTR gene. A presumed nomenclature of c.(?_-71)_(53+1_54-1)del has been designated for the purposes of this classification. The exact breakpoint at the 5' end of this variant is unknown, therefore this deletion may extend upstream of the annotated region of this gene. Although the exact breakpoints of this deletion are not known, it is predicted to remove the initiation codon and result in an absence of protein or a truncation of the encoded protein due to translation initiation at a downstream site. The variant was absent in 21694 control chromosomes (gnomAD, structural variants dataset). c.(?_-71)_(53+1_54-1)del has been reported in the literature in at least one individual affected with Cystic Fibrosis (e.g. Raraigh_2022). These data suggest the variant is very likely associated with disease. The following publication has been ascertained in the context of this evaluation (PMID: 34782259). ClinVar contains an entry for this variant (Variation ID: 831746). Based on the evidence outlined above, the variant was classified as pathogenic.

Literature cited by the submitters: PubMed 34782259.

NC_000007.13:g.(?_117120078)_(117120202_117144306)del

Gene: CFTR (CF transmembrane conductance regulator; plus strand). Cytogenetic location: 7q31.2.
Variant type: Deletion.
Identifiers: ClinVar variation 3233599 (VCV003233599.2).